The following is an entry in ClinVar:

ClinVar aggregate classification (germline): Uncertain significance (1 of 4 stars; one submission).

Conditions:
POLD1-related polyposis and colorectal cancer syndrome (CRCS10). Also called: Colorectal cancer 10; COLORECTAL CANCER, SUSCEPTIBILITY TO, ON CHROMOSOME 19q; Colorectal cancer, susceptibility to, 10. Identifiers: Orphanet 220460, MedGen C2675481, MONDO:0012953, OMIM 612591.

Allele frequency attached by ClinVar (database versions not stated): gnomAD exomes below 0.00001; ExAC 0.00001; TOPMed 0.00001.
gnomAD v4.1: 1 of 1,613,980 alleles (0.000062%); highest among the groups gnomAD compares: Admixed American, 0.0017%; no homozygotes.

Submission:

Labcorp Genetics (formerly Invitae), Labcorp
Classification: Uncertain significance for POLD1-related polyposis and colorectal cancer syndrome. Last evaluated: 2025-01-22. Review status: criteria provided, single submitter. Criteria: Invitae Variant Classification Sherloc (09022015). Collection method: clinical testing. Allele origin: germline.
Comment: This sequence change replaces isoleucine, which is neutral and non-polar, with valine, which is neutral and non-polar, at codon 141 of the POLD1 protein (p.Ile141Val). This variant is present in population databases (rs562388532, gnomAD 0.003%). This variant has not been reported in the literature in individuals affected with POLD1-related conditions. ClinVar contains an entry for this variant (Variation ID: 2010795). Invitae Evidence Modeling of protein sequence and biophysical properties (such as structural, functional, and spatial information, amino acid conservation, physicochemical variation, residue mobility, and thermodynamic stability) indicates that this missense variant is not expected to disrupt POLD1 protein function with a negative predictive value of 80%. In summary, the available evidence is currently insufficient to determine the role of this variant in disease. Therefore, it has been classified as a Variant of Uncertain Significance.

NM_002691.4(POLD1):c.421A>G (p.Ile141Val)

Gene: POLD1 (DNA polymerase delta 1, catalytic subunit; plus strand). Cytogenetic location: 19q13.33.
Variant type: single nucleotide variant.
Coding change: c.421A>G on transcript NM_002691.4 (MANE Select); coding-DNA position 421, A replaced by G.
Protein change: p.Ile141Val; replaces isoleucine 141 with valine.
Molecular consequence: missense variant. On other transcripts: non-coding transcript variant (1).
Genome position (GRCh38, 1-based): chr19:50,401,882, A>G. VCF-style: chr19-50401882-A-G. GRCh37 (hg19) VCF-style: chr19-50905139-A-G.
Other names: c.421A>G, p.Ile141Val (NM_001256849.1, NM_001308632.1); short protein forms I141V.
Identifiers: ClinVar variation 2010795 (VCV002010795.4), dbSNP rs562388532, ClinGen allele CA9595725.
Genomic context (GRCh38, chr19:50,401,882, plus strand): 5'-TCCGTGCCTGTGCTCCGCGCCTTCGGGGTCACCGATGAGGGGTTCTCTGTCTGCTGCCAC[A>G]TCCACGGCTTCGCTCCCTACTTCTACACCCCAGCGCCCCCTGGTGAGTGGCCCCTACCCA-3'
Protein context (NP_002682.2, residues 131-151): TDEGFSVCCH[Ile141Val]HGFAPYFYTP